The following is an entry in ClinVar:

ClinVar aggregate classification (germline): Likely pathogenic. Review status: criteria provided, multiple submitters, no conflicts (2 of 4 stars). 4 submissions from 4 submitters: Likely pathogenic (2). 2 of the submissions do not count toward it. Last evaluated 2024-06-07.

Conditions:
Mucopolysaccharidosis, MPS-II (MPS2). Also called: IDS deficiency; Sulfoiduronate sulfatase deficiency; SIDS deficiency; Attenuated MPS (subtype; formerly known as mild MPS II); Severe MPS II; I2S deficiency. Identifiers: Orphanet 580, Orphanet 79388, MedGen C0026705, MONDO:0010674, OMIM 309900.

Submissions (4):

Laboratory of Diagnosis and Therapy of Lysosomal Disorders, University of Padova
Classification: Likely pathogenic for Mucopolysaccharidosis, MPS-II. Last evaluated: 2024-06-07. Review status: criteria provided, single submitter. Criteria: ACMG Guidelines, 2015. Collection method: literature only. Allele origin: germline. Affected: yes. Observed: 2 variant alleles.
Comment: Absent from controls (or at low frequency) in gnomAD database (PM2_Moderate), Missense variant in a gene with a low rate of benign missense variation (PP2_Supporting), Multiple lines of computational evidence support a deleterious effect (PP3_Supporting), Patient’s phenotype or family history highly specific for the disease (PP4_Moderate)

Classification method: ACMG Guidelines [PMID:25741868] with modifications

Labcorp Genetics (formerly Invitae), Labcorp
Classification: Likely pathogenic for Mucopolysaccharidosis, MPS-II. Last evaluated: 2022-02-11. Review status: criteria provided, single submitter. Criteria: Invitae Variant Classification Sherloc (09022015). Collection method: clinical testing. Allele origin: germline.
Comment: This variant is not present in population databases (gnomAD no frequency). This sequence change replaces histidine, which is basic and polar, with tyrosine, which is neutral and polar, at codon 342 of the IDS protein (p.His342Tyr). This missense change has been observed in individual(s) with MPS II (Hunter syndrome) (PMID: 10220152). In at least one individual the variant was observed to be de novo. ClinVar contains an entry for this variant (Variation ID: 946154). Algorithms developed to predict the effect of missense changes on protein structure and function are either unavailable or do not agree on the potential impact of this missense change (SIFT: "Deleterious"; PolyPhen-2: "Probably Damaging"; Align-GVGD: "Class C0"). This variant disrupts the p.His342 amino acid residue in IDS. Other variant(s) that disrupt this residue have been determined to be pathogenic (PMID: 24125893, 26762690, 27146977; 30639582and29801497). This suggests that this residue is clinically significant, and that variants that disrupt this residue are likely to be disease-causing. In summary, the currently available evidence indicates that the variant is pathogenic, but additional data are needed to prove that conclusively. Therefore, this variant has been classified as Likely Pathogenic.

Clinical Genetics DNA and cytogenetics Diagnostics Lab, Erasmus MC, Erasmus Medical Center
Classification: Likely pathogenic. Review status: no assertion criteria provided. Collection method: clinical testing. Allele origin: germline. Affected: yes. Study: VKGL Data-share Consensus. Not counted in ClinVar's aggregate classification.

Clinical Genetics, Academic Medical Center
Classification: Pathogenic. Review status: no assertion criteria provided. Collection method: clinical testing. Allele origin: germline. Affected: yes. Study: VKGL Data-share Consensus. Not counted in ClinVar's aggregate classification.

Literature cited by the submitters: PubMed 10220152 (cited by Laboratory of Diagnosis and Therapy of Lysosomal Disorders, University of Padova and Labcorp Genetics (formerly Invitae), Labcorp); PubMed 35568060 (cited by Laboratory of Diagnosis and Therapy of Lysosomal Disorders, University of Padova); PubMed 24125893 (cited by Labcorp Genetics (formerly Invitae), Labcorp); PubMed 26762690 (cited by Labcorp Genetics (formerly Invitae), Labcorp); PubMed 27146977 (cited by Labcorp Genetics (formerly Invitae), Labcorp); PubMed 30639582 (cited by Labcorp Genetics (formerly Invitae), Labcorp); PubMed 29801497 (cited by Labcorp Genetics (formerly Invitae), Labcorp).

NM_000202.8(IDS):c.1024C>T (p.His342Tyr)

Genes: IDS (iduronate 2-sulfatase; minus strand), LOC106050102 (IDS recombination region; plus strand). Cytogenetic location: Xq28.
Variant type: single nucleotide variant.
Coding change: c.1024C>T on transcript NM_000202.8 (MANE Select); coding-DNA position 1024, C replaced by T.
Protein change: p.His342Tyr; replaces histidine 342 with tyrosine.
Molecular consequence: missense variant.
Genome position (GRCh38, 1-based): chrX:149,487,081, G>A on the plus strand (C>T on the coding strand, the complement: IDS is on the minus strand). VCF-style: chrX-149487081-G-A. GRCh37 (hg19) VCF-style: chrX-148568612-G-A.
Other names: c.754C>T, p.His252Tyr (NM_001166550.4); short protein forms H342Y, H252Y.
Identifiers: ClinVar variation 946154 (VCV000946154.14), dbSNP rs2089343220, ClinGen allele CA414519008.